The following is an entry in ClinVar:

ClinVar aggregate classification (germline): Likely pathogenic (1 of 4 stars; one submission).

Conditions:
Achromatopsia 2 (ACHM2). Also called: COLORBLINDNESS, TOTAL; ROD MONOCHROMACY 2; ROD MONOCHROMATISM 2. Identifiers: Orphanet 49382, MedGen C1857618, MONDO:0009003, OMIM 216900.

Submission:

Juno Genomics, Hangzhou Juno Genomics, Inc
Classification: Likely pathogenic for Achromatopsia 2. Review status: criteria provided, single submitter. Criteria: ACMG Guidelines, 2015. Collection method: clinical testing. Allele origin: germline. Affected: yes.
Comment: Absent from controls (or at extremely low frequency if recessive) in Genome Aggregation Database.;For recessive disorders, detected in trans with a pathogenic variant.;Null variant in a gene where loss of function (LOF) is a known mechanism of disease.

NM_001298.3(CNGA3):c.827del (p.Asn276fs)

Gene: CNGA3 (cyclic nucleotide gated channel subunit alpha 3; plus strand). Cytogenetic location: 2q11.2.
Variant type: Deletion.
Coding change: c.827del on transcript NM_001298.3 (MANE Select); coding-DNA position 827, one base deleted (A; older notation c.827delA).
Protein change: p.Asn276fs; shifts the reading frame from asparagine 276.
Molecular consequence: frameshift variant.
Genome position (GRCh38, 1-based): chr2:98,395,997, A deleted; the last of 2 consecutive A bases (chr2:98,395,996-98,395,997); deleting either gives the same sequence. VCF-style (leftmost placement, unchanged base first): chr2-98395995-CA-C. GRCh37 (hg19) VCF-style: chr2-99012458-CA-C.
Other names: c.773del, p.Asn258fs (NM_001079878.2); short protein forms N258fs, N276fs.
Identifiers: ClinVar variation 5018599 (VCV005018599.1).